The following is an entry in ClinVar:

NM_133433.4(NIPBL):c.4607G>A (p.Arg1536Gln)

Gene: NIPBL (NIPBL cohesin loading factor; plus strand). Cytogenetic location: 5p13.2.
Variant type: single nucleotide variant.
Coding change: c.4607G>A on transcript NM_133433.4 (MANE Select); coding-DNA position 4607, G replaced by A.
Protein change: p.Arg1536Gln; replaces arginine 1536 with glutamine.
Molecular consequence: missense variant.
Genome position (GRCh38, 1-based): chr5:37,014,729, G>A. VCF-style: chr5-37014729-G-A. GRCh37 (hg19) VCF-style: chr5-37014831-G-A.
Other names: c.4607G>A, p.Arg1536Gln (NM_015384.5); short protein forms R1536Q.
Identifiers: ClinVar variation 2706952 (VCV002706952.3), dbSNP rs2478251573, ClinGen allele CA359480910.

ClinVar aggregate classification (germline): Uncertain significance (1 of 4 stars; one submission).

Conditions:
Cornelia de Lange syndrome 1 (CDLS1). Also called: TYPUS DEGENERATIVUS AMSTELODAMENSIS; Brachmann de Lange syndrome; NIPBL-Related Cornelia de Lange Syndrome. Identifiers: Orphanet 199, MedGen C4551851, MONDO:0007387, OMIM 122470.

Allele frequency attached by ClinVar (database versions not stated): gnomAD exomes below 0.00001.
gnomAD v4.1: 1 of 1,609,954 alleles (0.000062%); highest among the groups gnomAD compares: Non-Finnish European, 0.000085%; no homozygotes.

Submission:

Labcorp Genetics (formerly Invitae), Labcorp
Classification: Uncertain significance for Cornelia de Lange syndrome 1. Last evaluated: 2024-01-01. Review status: criteria provided, single submitter. Criteria: Invitae Variant Classification Sherloc (09022015). Collection method: clinical testing. Allele origin: germline.
Comment: This sequence change replaces arginine, which is basic and polar, with glutamine, which is neutral and polar, at codon 1536 of the NIPBL protein (p.Arg1536Gln). This variant is not present in population databases (gnomAD no frequency). This variant has not been reported in the literature in individuals affected with NIPBL-related conditions. Advanced modeling of protein sequence and biophysical properties (such as structural, functional, and spatial information, amino acid conservation, physicochemical variation, residue mobility, and thermodynamic stability) performed at Invitae indicates that this missense variant is expected to disrupt NIPBL protein function with a positive predictive value of 80%. In summary, the available evidence is currently insufficient to determine the role of this variant in disease. Therefore, it has been classified as a Variant of Uncertain Significance.